The following is an entry in ClinVar:

NM_005076.5(CNTN2):c.1289C>T (p.Ala430Val)

Gene: CNTN2 (contactin 2; plus strand). Cytogenetic location: 1q32.1.
Variant type: single nucleotide variant.
Coding change: c.1289C>T on transcript NM_005076.5 (MANE Select); coding-DNA position 1289, C replaced by T.
Protein change: p.Ala430Val; replaces alanine 430 with valine.
Molecular consequence: missense variant. On other transcripts: non-coding transcript variant (1).
Genome position (GRCh38, 1-based): chr1:205,064,370, C>T. VCF-style: chr1-205064370-C-T. GRCh37 (hg19) VCF-style: chr1-205033498-C-T.
Other names: c.1289C>T, p.Ala430Val (NM_001346083.2); short protein forms A430V.
Identifiers: ClinVar variation 856704 (VCV000856704.8), dbSNP rs145944891, ClinGen allele CA1351327.
Genomic context (GRCh38, chr1:205,064,370, plus strand): 5'-CTTTCCTTCTAGCACTCGCCCCTGACTTCAGGCTGAATCCCGTGAGGCGTCTGATCCCCG[C>T]GGCCCGCGGGGGAGAGATCCTTATCCCCTGCCAGCCCCGGGCAGCTCCAAAGGCCGTGGT-3'
Protein context (NP_005067.1, residues 420-440): RLNPVRRLIP[Ala430Val]ARGGEILIPC

ClinVar aggregate classification (germline): Uncertain significance. Review status: criteria provided, multiple submitters, no conflicts (2 of 4 stars). 2 submissions from 2 submitters: Uncertain significance (2). Last evaluated 2025-03-03.

Conditions:
Epilepsy, familial adult myoclonic, 5 (EPEO5). Also called: CORTICAL MYOCLONIC TREMOR WITH EPILEPSY, FAMILIAL, 5. Identifiers: Orphanet 86814, MedGen C3809374, MONDO:0014167, OMIM 615400.

Allele frequency attached by ClinVar (database versions not stated): gnomAD 0.00001; TOPMed 0.00002; ExAC 0.00003; gnomAD exomes 0.00003 and 0.00004; ESP Exome Variant Server 0.00008.

Submissions (2):

Ambry Genetics
Classification: Uncertain significance. Last evaluated: 2025-03-03. Review status: criteria provided, single submitter. Criteria: Ambry Variant Classification Scheme 2023. Collection method: clinical testing. Allele origin: germline.

Labcorp Genetics (formerly Invitae), Labcorp
Classification: Uncertain significance for Epilepsy, familial adult myoclonic, 5. Last evaluated: 2022-05-05. Review status: criteria provided, single submitter. Criteria: Invitae Variant Classification Sherloc (09022015). Collection method: clinical testing. Allele origin: germline.
Comment: This sequence change replaces alanine, which is neutral and non-polar, with valine, which is neutral and non-polar, at codon 430 of the CNTN2 protein (p.Ala430Val). This variant is present in population databases (rs145944891, gnomAD 0.05%). This variant has not been reported in the literature in individuals affected with CNTN2-related conditions. ClinVar contains an entry for this variant (Variation ID: 856704). Advanced modeling of protein sequence and biophysical properties (such as structural, functional, and spatial information, amino acid conservation, physicochemical variation, residue mobility, and thermodynamic stability) performed at Invitae indicates that this missense variant is not expected to disrupt CNTN2 protein function. In summary, the available evidence is currently insufficient to determine the role of this variant in disease. Therefore, it has been classified as a Variant of Uncertain Significance.